The following is an entry in ClinVar:

ClinVar aggregate classification (germline): Uncertain significance. Review status: criteria provided, multiple submitters, no conflicts (2 of 4 stars). 2 submissions from 2 submitters: Uncertain significance (2). Last evaluated 2025-10-01.

Allele frequency attached by ClinVar (database versions not stated): ExAC 0.00002; TOPMed 0.00002; gnomAD 0.00004; gnomAD exomes 0.00001.
gnomAD v4.1: 25 of 1,614,056 alleles (0.0015%); highest among the groups gnomAD compares: Non-Finnish European, 0.002%; no homozygotes.

Submissions (2):

CeGaT Center for Human Genetics Tuebingen
Classification: Uncertain significance. Last evaluated: 2025-10-01. Review status: criteria provided, single submitter. Criteria: CeGaT Center For Human Genetics Tuebingen Variant Classification Criteria Version 2. Collection method: clinical testing. Allele origin: germline. Affected: yes. Observed: 1 variant allele.
Comment: EFEMP1: PM2

Labcorp Genetics (formerly Invitae), Labcorp
Classification: Uncertain significance. Last evaluated: 2022-10-10. Review status: criteria provided, single submitter. Criteria: Invitae Variant Classification Sherloc (09022015). Collection method: clinical testing. Allele origin: germline.
Comment: In summary, the available evidence is currently insufficient to determine the role of this variant in disease. Therefore, it has been classified as a Variant of Uncertain Significance. Advanced modeling of protein sequence and biophysical properties (such as structural, functional, and spatial information, amino acid conservation, physicochemical variation, residue mobility, and thermodynamic stability) performed at Invitae indicates that this missense variant is not expected to disrupt EFEMP1 protein function. ClinVar contains an entry for this variant (Variation ID: 999114). This variant has not been reported in the literature in individuals affected with EFEMP1-related conditions. This variant is present in population databases (no rsID available, gnomAD 0.003%). This sequence change replaces valine, which is neutral and non-polar, with methionine, which is neutral and non-polar, at codon 170 of the EFEMP1 protein (p.Val170Met).

NM_001039348.3(EFEMP1):c.508G>A (p.Val170Met)

Gene: EFEMP1 (EGF-like fibulin extracellular matrix protein 1; minus strand). Cytogenetic location: 2p16.1.
Variant type: single nucleotide variant.
Coding change: c.508G>A on transcript NM_001039348.3 (MANE Select); coding-DNA position 508, G replaced by A.
Protein change: p.Val170Met; replaces valine 170 with methionine.
Molecular consequence: missense variant.
Genome position (GRCh38, 1-based): chr2:55,917,674, C>T on the plus strand (G>A on the coding strand, the complement: EFEMP1 is on the minus strand). VCF-style: chr2-55917674-C-T. GRCh37 (hg19) VCF-style: chr2-56144809-C-T.
Other names: c.508G>A, p.Val170Met (NM_001039349.3); short protein forms V170M.
Identifiers: ClinVar variation 999114 (VCV000999114.14), dbSNP rs930663687, ClinGen allele CA1668933.
Genomic context (GRCh38, chr2:55,917,674, plus strand): 5'-GGTGCACTTGGGCAAAAGCTTTCAATGGTTAGGAAAATAAGTTATTCCTACCTTGGCACA[C>T]GTTGTGTTCACTTTGCTCGTAGCCTGCTGCACACTGGATACGGTGGGAAGGGTTGGAGGG-3'
Protein context (NP_001034437.1, residues 160-180): AAGYEQSEHN[Val170Met]CQDIDECTAG